The following is an entry in ClinVar:

NM_001034116.2(EIF2B4):c.310C>G (p.Arg104Gly)

Gene: EIF2B4 (eukaryotic translation initiation factor 2B subunit delta; minus strand). Cytogenetic location: 2p23.3.
Variant type: single nucleotide variant.
Coding change: c.310C>G on transcript NM_001034116.2 (MANE Select); coding-DNA position 310, C replaced by G.
Protein change: p.Arg104Gly; replaces arginine 104 with glycine.
Molecular consequence: missense variant. On other transcripts: 5 prime UTR variant (2).
Genome position (GRCh38, 1-based): chr2:27,369,114, G>C on the plus strand (C>G on the coding strand, the complement: EIF2B4 is on the minus strand). VCF-style: chr2-27369114-G-C. GRCh37 (hg19) VCF-style: chr2-27591981-G-C.
Other names: c.373C>G, p.Arg125Gly (NM_001318965.2); c.265C>G, p.Arg89Gly (NM_001318966.2); c.217C>G, p.Arg73Gly (NM_001318967.2); c.-206C>G (NM_001318968.2); c.-283C>G (NM_001318969.2); c.307C>G, p.Arg103Gly (NM_015636.4); c.370C>G, p.Arg124Gly (NM_172195.4); c.307C>G (NM_015636.3); short protein forms R103G, R104G, R124G, R125G, R73G, R89G.
Identifiers: ClinVar variation 3026186 (VCV003026186.22), dbSNP rs1437660916, ClinGen allele CA346202233.
Genomic context (GRCh38, chr2:27,369,114, plus strand): 5'-CTCCTTGTTCCCCTTTTCTTGCCTGTTTCAGGGCCCGCTCGGCCTCCTGCTTGGCTCGAC[G>C]CTCAGCCCGAAGTTCGGCCTTACTCCGACCAGCTGGAACTTTCTCCCGAGGAGTGCCCAA-3'
Protein context (NP_001029288.1, residues 94-114): GRSKAELRAE[Arg104Gly]RAKQEAERAL

ClinVar aggregate classification (germline): Uncertain significance. Review status: criteria provided, multiple submitters, no conflicts (2 of 4 stars). 2 submissions from 2 submitters: Uncertain significance (2). Last evaluated 2025-10-18.

Conditions:
Inborn genetic diseases. Identifiers: MedGen C0950123, MeSH D030342.

Allele frequency attached by ClinVar (database versions not stated): gnomAD 0.00001; TOPMed 0.00001.

Submissions (2):

Ambry Genetics
Classification: Uncertain significance for Inborn genetic diseases. Last evaluated: 2025-10-18. Review status: criteria provided, single submitter. Criteria: Ambry Variant Classification Scheme 2023. Collection method: clinical testing. Allele origin: germline.

CeGaT Center for Human Genetics Tuebingen
Classification: Uncertain significance. Last evaluated: 2023-12-01. Review status: criteria provided, single submitter. Criteria: CeGaT Center For Human Genetics Tuebingen Variant Classification Criteria Version 2. Collection method: clinical testing. Allele origin: germline. Affected: yes. Observed: 1 variant allele.
Comment: EIF2B4: PM2, PP3